The following is an entry in ClinVar:

ClinVar aggregate classification (germline): Benign/Likely benign. Review status: criteria provided, multiple submitters, no conflicts (2 of 4 stars). 7 submissions from 5 submitters: Benign (1); Likely benign (6). Last evaluated 2023-04-11.

Conditions:
Hypertrophic cardiomyopathy 2. Also called: TNNT2-Related Familial Hypertrophic Cardiomyopathy. Identifiers: MedGen C1861864, MONDO:0007266, OMIM 115195.
Cardiomyopathy, familial restrictive, 3. Identifiers: Orphanet 75249, MedGen C2676271, MONDO:0012900, OMIM 612422.
Dilated cardiomyopathy 1D. Identifiers: Orphanet 154, Orphanet 54260, MedGen C1832243, MONDO:0011095, OMIM 601494.
Cardiomyopathy (CMYO). Also called: Cardiomyopathies. Identifiers: Orphanet 167848, MedGen C0878544, MONDO:0004994, HP:0001638. Inheritance: Various modes of inheritance.

Submissions (7):

Genome-Nilou Lab
Classification: Likely benign for Dilated cardiomyopathy 1D. Last evaluated: 2023-04-11. Review status: criteria provided, single submitter. Criteria: ACMG Guidelines, 2015. Collection method: clinical testing. Allele origin: germline. Affected: no.

Genome-Nilou Lab
Classification: Likely benign for Cardiomyopathy, familial restrictive, 3. Last evaluated: 2023-04-11. Review status: criteria provided, single submitter. Criteria: ACMG Guidelines, 2015. Collection method: clinical testing. Allele origin: germline. Affected: no.

Genome-Nilou Lab
Classification: Likely benign for Hypertrophic cardiomyopathy 2. Last evaluated: 2023-04-11. Review status: criteria provided, single submitter. Criteria: ACMG Guidelines, 2015. Collection method: clinical testing. Allele origin: germline. Affected: no.

Fulgent Genetics
Classification: Likely benign for Hypertrophic cardiomyopathy 2; Dilated cardiomyopathy 1D; Cardiomyopathy, familial restrictive, 3. Last evaluated: 2021-08-18. Review status: criteria provided, single submitter. Criteria: ACMG Guidelines, 2015. Collection method: clinical testing. Allele origin: unknown.

Molecular Diagnostic Laboratory for Inherited Cardiovascular Disease, Montreal Heart Institute
Classification: Likely benign. Last evaluated: 2017-04-10. Review status: criteria provided, single submitter. Criteria: ACMG Guidelines, 2015. Collection method: clinical testing. Allele origin: germline. Affected: yes.

Laboratory for Molecular Medicine, Mass General Brigham Personalized Medicine
Classification: Benign. Last evaluated: 2015-08-27. Review status: criteria provided, single submitter. Criteria: LMM Criteria. Collection method: clinical testing. Allele origin: germline. Observed: 12 variant alleles.
Comment: c.68-5_68-3delinsTT in intron 4 of TNNT2: This variant is not expected to have clinical signficance because it has been identified in 4.7% (409/8652) of East A sian chromosomes including 13 homozygous individuals by the Exome Aggregation Co nsortium (ExAC,, pers. comm.; dbSNP rs540630390 and rs200153031). Furthermore, in vitro functional studies suggest that the c.68 -5_68-3delinsTT variant does not impact protein function (Crehalet 2012).

GeneDx
Classification: Likely benign for Cardiomyopathy. Last evaluated: 2014-03-21. Review status: criteria provided, single submitter. Criteria: GeneDx Variant Classification (06012015). Collection method: clinical testing. Allele origin: germline. Affected: yes.
Comment: The variant is found in HCM panel(s).

NC_000001.11:g.201369848_201369850delinsAA

Gene: TNNT2 (troponin T2, cardiac type; minus strand). Cytogenetic location: 1q32.1.
Variant type: Indel.
Genome position: GRCh38 VCF-style: chr1-201369848-GAG-AA. GRCh37 (hg19) VCF-style: chr1-201338976-GAG-AA.
Other names: c.53-1623_53-1621delinsTT (NM_001001432.3); c.68-1623_68-1621delinsTT (NM_001001431.3, NM_001001430.3, NM_001276347.2); c.68-5_68-3delinsTT (NM_001276346.2, NM_000364.4, NM_001276345.2).
Identifiers: ClinVar variation 43400 (VCV000043400.9), dbSNP rs397516362, ClinGen allele CA004927.
Genomic context (GRCh38, chr1:201,369,848, plus strand): 5'-AGCACCACAGAAGGAAAGGCTGTACTACCGTCTTCGTCCTCTCTCCAGTCCTCCTCTTCT[GAG>AA]GTTCAGGGAGTGGCCGCAGCGGAGGGGAAAAGCGAGACAGGTTAGTCTGGGAGCAGAGAG-3'